The following is an entry in ClinVar:

ClinVar aggregate classification (germline): Uncertain significance (1 of 4 stars; one submission).

Conditions:
Inborn genetic diseases. Identifiers: MedGen C0950123, MeSH D030342.

Allele frequency attached by ClinVar (database versions not stated): TOPMed below 0.00001.
gnomAD v4.1: 23 of 1,614,230 alleles (0.0014%); highest among the groups gnomAD compares: Non-Finnish European, 0.0019%; no homozygotes.

Submission:

Ambry Genetics
Classification: Uncertain significance for Inborn genetic diseases. Last evaluated: 2022-12-25. Review status: criteria provided, single submitter. Criteria: Ambry Variant Classification Scheme 2023. Collection method: clinical testing. Allele origin: germline.
Comment: The p.A160T variant (also known as c.478G>A), located in coding exon 4 of the DHCR7 gene, results from a G to A substitution at nucleotide position 478. The alanine at codon 160 is replaced by threonine, an amino acid with similar properties. This amino acid position is conserved. In addition, the in silico prediction for this alteration is inconclusive. Since supporting evidence is limited at this time, the clinical significance of this alteration remains unclear.

NM_001360.3(DHCR7):c.478G>A (p.Ala160Thr)

Gene: DHCR7 (7-dehydrocholesterol reductase; minus strand). Cytogenetic location: 11q13.4.
Variant type: single nucleotide variant.
Coding change: c.478G>A on transcript NM_001360.3 (MANE Select); coding-DNA position 478, G replaced by A.
Protein change: p.Ala160Thr; replaces alanine 160 with threonine.
Molecular consequence: missense variant.
Genome position (GRCh38, 1-based): chr11:71,441,375, C>T on the plus strand (G>A on the coding strand, the complement: DHCR7 is on the minus strand). VCF-style: chr11-71441375-C-T. GRCh37 (hg19) VCF-style: chr11-71152421-C-T.
Other names: c.478G>A, p.Ala160Thr (NM_001163817.2); short protein forms A160T.
Identifiers: ClinVar variation 2496763 (VCV002496763.2), dbSNP rs1364850343, ClinGen allele CA381694596.
Genomic context (GRCh38, chr11:71,441,375, plus strand): 5'-GTGGGATCCAGTTGTCGAAGATGATGGTGGGCGAGAACCAGGACAGGAGATGAGCGTTTG[C>T]AAACCAGAGCAGGTGCGTGAGGAGCCAGGCTTGCAGGCCATTGATCTGATACTTGTTCAC-3'
Protein context (NP_001351.2, residues 150-170): AWLLTHLLWF[Ala160Thr]NAHLLSWFSP